The following is an entry in ClinVar:

NC_000014.9:g.(?_102376712)_(102376950_?)del

Gene: TECPR2 (tectonin beta-propeller repeat containing 2; plus strand). Cytogenetic location: 14q32.31.
Variant type: Deletion.
Identifiers: ClinVar variation 830697 (VCV000830697.7).

ClinVar aggregate classification (germline): Pathogenic (1 of 4 stars; one submission).

Conditions:
Hereditary spastic paraplegia 49 (HSAN9). Also called: NEUROPATHY, HEREDITARY SENSORY AND AUTONOMIC, TYPE IX, WITH DEVELOPMENTAL DELAY; Spastic paraplegia 49, autosomal recessive; TECPR2-Related Hereditary Sensory and Autonomic Neuropathy with Intellectual Disability. Identifiers: Orphanet 320385, MedGen C5190860, MONDO:0014016, OMIM 615031.

Submission:

Labcorp Genetics (formerly Invitae), Labcorp
Classification: Pathogenic for Hereditary spastic paraplegia 49. Last evaluated: 2019-06-25. Review status: criteria provided, single submitter. Criteria: Invitae Variant Classification Sherloc (09022015). Collection method: clinical testing. Allele origin: germline.
Comment: For these reasons, this variant has been classified as Pathogenic. Loss-of-function variants in TECPR2 are known to be pathogenic (PMID: 23176824, 25590979). This variant has not been reported in the literature in individuals with TECPR2-related conditions. This variant is a gross deletion of the genomic region encompassing exon 2 of the TECPR2 gene, which includes the initiator codon. The 5' end of this event is unknown as it extends beyond the assayed region for this gene and therefore may encompass additional genes. The 3' boundary is likely confined to intron 2 of the TECPR2 gene. This is expected to result in an absent or disrupted protein product.

Literature cited by the submitters: PubMed 23176824; PubMed 25590979.